The following is an entry in ClinVar:

NM_001845.6(COL4A1):c.3832G>A (p.Gly1278Ser)

Gene: COL4A1 (collagen type IV alpha 1 chain; minus strand). Cytogenetic location: 13q34.
Variant type: single nucleotide variant.
Coding change: c.3832G>A on transcript NM_001845.6 (MANE Select); coding-DNA position 3832, G replaced by A.
Protein change: p.Gly1278Ser; replaces glycine 1278 with serine.
Molecular consequence: missense variant.
Genome position (GRCh38, 1-based): chr13:110,169,673, C>T on the plus strand (G>A on the coding strand, the complement: COL4A1 is on the minus strand). VCF-style: chr13-110169673-C-T. GRCh37 (hg19) VCF-style: chr13-110822020-C-T.
Other names: COL4A1, GLY1278SER (rs757453900); short protein forms G1278S.
Identifiers: ClinVar variation 977158 (VCV000977158.12), dbSNP rs757453900, ClinGen allele CA7047131.

ClinVar aggregate classification (germline): Conflicting classifications of pathogenicity. Review status: criteria provided, conflicting classifications (1 of 4 stars). 6 submissions from 6 submitters: Likely pathogenic (1); Uncertain significance (4). 1 of the submissions does not count toward it. Last evaluated 2025-12-09.

Conditions:
Brain small vessel disease 1 with or without ocular anomalies (BSVD1). Also called: Brain small vessel disease with or without ocular anomalies; PORENCEPHALY, TYPE 1, AUTOSOMAL DOMINANT; BRAIN SMALL VESSEL DISEASE WITH HEMORRHAGE; GOULD SYNDROME 1. Identifiers: Orphanet 2940, Orphanet 36383, Orphanet 99810, MedGen C4755307, MONDO:0008289, OMIM 175780.
Autosomal dominant familial hematuria-retinal arteriolar tortuosity-contractures syndrome. Also called: Hereditary Angiopathy with Nephropathy, Aneurysms, and Muscle Cramps (HANAC) Syndrome; Angiopathy, hereditary, with nephropathy, aneurysms, and muscle cramps. Identifiers: Orphanet 73229, MedGen C2673195, MONDO:0012726, OMIM 611773.
Hemorrhage, intracerebral, susceptibility to (ICH). Also called: Stroke, hemorrhagic, susceptibility to. Identifiers: MedGen C3281105, MONDO:0100533, OMIM 614519.
Microangiopathy and leukoencephalopathy, pontine, autosomal dominant. Also called: DEMENTIA, HEREDITARY MULTI-INFARCT, SWEDISH TYPE; Pontine autosomal dominant microangiopathy with leukoencephalopathy. Identifiers: Orphanet 477749, MedGen C5231411, MONDO:0032814, OMIM 618564.
Retinal arterial tortuosity. Also called: Retinal arteries, tortuosity of; RETINAL HEMORRHAGE WITH VASCULAR TORTUOSITY. Identifiers: Orphanet 75326, MedGen C0423401, MONDO:0008373, OMIM 180000, HP:0000631.
COL4A1-related disorder. Also called: COL4A1-related condition; COL4A1-related disorders. Identifiers: MedGen CN376119, MONDO:0800461.

Allele frequency attached by ClinVar (database versions not stated): gnomAD 0.00001; TOPMed 0.00001; ExAC 0.00002.
gnomAD v4.1: 19 of 1,614,022 alleles (0.0012%); highest among the groups gnomAD compares: East Asian, 0.0022%; no homozygotes.

Submissions (6):

PreventionGenetics, part of Exact Sciences
Classification: Uncertain significance for COL4A1-related condition. Last evaluated: 2025-12-09. Review status: criteria provided, single submitter. Criteria: ACMG Guidelines, 2015. Collection method: clinical testing. Allele origin: germline.
Comment: The COL4A1 c.3832G>A variant is predicted to result in the amino acid substitution p.Gly1278Ser. This variant has been reported in the homozygous state in two siblings with epileptic encephalopathy (Yaramis et al. 2020. PubMed ID: 32042920); their heterozygous siblings and parents were unaffected, on cardiac, renal, MRI and eye examinations, though all were younger than 50 years of age. It was also reported in the homozygous state in an individual with recessive pediatric neurogenetic disease (Hiz Kurul et al. 2022. PubMed ID: 34791078). The aforementioned cases provide the only evidence for autosomal recessive inheritance of COL4A1-related disease, with no other variants supporting this mechanism. Therefore, at this time, we consider the evidence to be insufficient for establishing recessive inheritance as a mechanism of disease. This variant is reported in 0.0035% of alleles in individuals of European (Non-Finnish) descent in gnomAD. This variant impacts a glycine (Gly) residue within the highly conserved collagen triple helical domain (Gly-X-Y; amino acids 173-1440) where Gly substitutions are expected to be pathogenic. Although we suspect this variant may be pathogenic for dominant disease, at this time, the clinical significance of this variant is uncertain due to the absence of conclusive functional and genetic evidence.

Labcorp Genetics (formerly Invitae), Labcorp
Classification: Likely pathogenic. Last evaluated: 2025-04-09. Review status: criteria provided, single submitter. Criteria: Invitae Variant Classification Sherloc (09022015). Collection method: clinical testing. Allele origin: germline.
Comment: This sequence change replaces glycine, which is neutral and non-polar, with serine, which is neutral and polar, at codon 1278 of the COL4A1 protein (p.Gly1278Ser). This variant is present in population databases (rs757453900, gnomAD 0.004%). This missense change has been observed in individual(s) with autosomal recessive small vessel brain disease with periventricular leukoencephalopathy and ocular defects (PMID: 32042920). ClinVar contains an entry for this variant (Variation ID: 977158). Invitae Evidence Modeling of protein sequence and biophysical properties (such as structural, functional, and spatial information, amino acid conservation, physicochemical variation, residue mobility, and thermodynamic stability) has been performed for this missense variant. However, the output from this modeling did not meet the statistical confidence thresholds required to predict the impact of this variant on COL4A1 protein function. This variant disrupts the triple helix domain of COL4A1. Glycine residues within the Gly-Xaa-Yaa repeats of the triple helix domain are required for the structure and stability of fibrillar collagens (PMID: 7695699, 8218237, 19344236). In COL4A1 variants affecting these glycine residues are significantly enriched in individuals with disease (PMID: 9016532, 17078022) compared to the general population (ExAC). In summary, the currently available evidence indicates that the variant is pathogenic, but additional data are needed to prove that conclusively. Therefore, this variant has been classified as Likely Pathogenic.

Blueprint Genetics
Classification: Uncertain significance. Last evaluated: 2023-10-26. Review status: criteria provided, single submitter. Criteria: ACMG Guidelines, 2015. Collection method: clinical testing. Allele origin: germline.

Broad Center for Mendelian Genomics, Broad Institute of MIT and Harvard
Classification: Uncertain significance for Brain small vessel disease 1 with or without ocular anomalies. Last evaluated: 2020-05-29. Review status: criteria provided, single submitter. Criteria: ACMG Guidelines, 2015. Collection method: research. Allele origin: germline. Inheritance: Autosomal recessive inheritance.
Comment: The homoygous p.Gly1278Ser variant in COL4A1 was identified by our study in 2 siblings with brain small vessel disease with or without ocular anomalies. These siblings, along with an additional homozygous, affected family member are reported in the literature (PMID: 32042920). This variant has been identified in 0.0045% (3/66584) of European (Non-Finnish) chromosomes by the Genome Aggregation Database (gnomAD; dbSNP ID: rs757453900). Although this variant has been seen in the general population, its frequency is low enough to be consistent with a recessive carrier frequency. Computational prediction tools and conservation analyses suggest that this variant may impact the protein, though this information is not predictive enough to determine pathogenicity. In summary, although additional studies are required to fully establish its clinical significance, this variant is likely pathogenic. ACMG/AMP Criteria applied: PM2, PM3_supporting, PP3, PP1 (Richards 2015).

Juno Genomics, Hangzhou Juno Genomics, Inc
Classification: Uncertain significance for Retinal arterial tortuosity; Hemorrhage, intracerebral, susceptibility to; Autosomal dominant familial hematuria-retinal arteriolar tortuosity-contractures syndrome; Brain small vessel disease 1 with or without ocular anomalies; Microangiopathy and leukoencephalopathy, pontine, autosomal dominant. Review status: criteria provided, single submitter. Criteria: ACMG Guidelines, 2015. Collection method: clinical testing. Allele origin: germline.
Comment: Absent from controls (or at extremely low frequency if recessive) in Genome Aggregation Database.;Multiple lines of computational evidence support a deleterious effect on the gene or gene product.;Missense variant in a gene that has a low rate of benign missense variation.;For recessive disorders, detected in trans with a pathogenic variant.

OMIM
Classification: Uncertain significance for VARIANT OF UNKNOWN SIGNIFICANCE. Last evaluated: 2025-11-20. Review status: no assertion criteria provided. Collection method: literature only. Allele origin: germline. Not counted in ClinVar's aggregate classification.

Literature cited by the submitters: PubMed 32042920 (cited by 3 submitters); PubMed 7695699 (cited by Labcorp Genetics (formerly Invitae), Labcorp); PubMed 8218237 (cited by Labcorp Genetics (formerly Invitae), Labcorp); PubMed 19344236 (cited by Labcorp Genetics (formerly Invitae), Labcorp); PubMed 9016532 (cited by Labcorp Genetics (formerly Invitae), Labcorp); PubMed 17078022 (cited by Labcorp Genetics (formerly Invitae), Labcorp).